The following is an entry in ClinVar:

NM_201596.3(CACNB2):c.3G>A (p.Met1Ile)

Gene: CACNB2 (calcium voltage-gated channel auxiliary subunit beta 2; plus strand). Cytogenetic location: 10p12.33.
Variant type: single nucleotide variant.
Coding change: c.3G>A on transcript NM_201596.3 (MANE Select); coding-DNA position 3, G replaced by A.
Protein change: p.Met1Ile; changes the start codon (methionine 1).
Molecular consequence: missense variant, initiator codon variant. On other transcripts: 5 prime UTR variant (3).
Genome position (GRCh38, 1-based): chr10:18,140,739, G>A. VCF-style: chr10-18140739-G-A. GRCh37 (hg19) VCF-style: chr10-18429668-G-A.
Other names: c.-441G>A (NM_001167945.2, NM_201571.4, NM_201572.4); c.3G>A, p.Met1Ile (NM_201593.3, NM_201597.3); short protein forms M1I.
Identifiers: ClinVar variation 2584830 (VCV002584830.1), dbSNP rs2491183020, ClinGen allele CA376213741.
Genomic context (GRCh38, chr10:18,140,739, plus strand): 5'-GGAGGAGGGGACCCGCCGCCGGGGGCTGGCTGCTTCGCTCCGAGCCGACTTTTCGCCAAT[G>A]GTCCAAAGGGACATGTCCAAGTCGCCTCCCACAGCGGCGGCGGCGGTGGCGCAGGAGATC-3'
Protein context (NP_963890.2, residues 1-11): [Met1Ile]VQRDMSKSPP

ClinVar aggregate classification (germline): Uncertain significance (1 of 4 stars; one submission).

Conditions:
Brugada syndrome 4 (BRGDA4). Identifiers: Orphanet 130, MedGen C2678477, MONDO:0012743, OMIM 611876.

Submission:

Neuberg Centre For Genomic Medicine, NCGM
Classification: Uncertain significance for Brugada syndrome 4. Review status: criteria provided, single submitter. Criteria: ACMG Guidelines, 2015. Collection method: clinical testing. Allele origin: germline. Inheritance: Autosomal recessive inheritance. Affected: yes.
Comment: The start lost variant c.3G>A (p.Met1?) in CACNB2 gene has not been reported previously as a pathogenic variant nor as a benign variant, to our knowledge. The p.Met1? variant is novel (not in any individuals) in gnomAD Exomes and 1000 Genomes. The p.Met1? variant is predicted to disrupt the initiation codon, and thus potentially may interfere with protein expression. For these reasons, this variant has been classified as Uncertain Significance.